The following is an entry in ClinVar:

ClinVar aggregate classification (germline): Likely pathogenic (1 of 4 stars; one submission).

Conditions:
Ehlers-Danlos syndrome, type 4 (EDSVASC). Also called: Ehlers-Danlos syndrome vascular type; Ehlers Danlos syndrome, ecchymotic type; Ehlers Danlos syndrome, arterial type; Ehlers Danlos syndrome, Sack-Barabas type; Ehlers-Danlos Syndrome Type IV. Identifiers: Orphanet 286, MedGen C0268338, MONDO:0017314, OMIM 130050.

Submission:

Labcorp Genetics (formerly Invitae), Labcorp
Classification: Likely pathogenic for Ehlers-Danlos syndrome, type 4. Last evaluated: 2021-11-22. Review status: criteria provided, single submitter. Criteria: Invitae Variant Classification Sherloc (09022015). Collection method: clinical testing. Allele origin: germline.
Comment: In summary, the currently available evidence indicates that the variant is pathogenic, but additional data are needed to prove that conclusively. Therefore, this variant has been classified as Likely Pathogenic. This variant disrupts the triple helix domain of COL3A1. Glycine residues within the Gly-Xaa-Yaa repeats of the triple helix domain are required for the structure and stability of fibrillar collagens (PMID: 7695699, 8218237, 19344236). In COL3A1, variants that affect these glycine residues are significantly enriched in individuals with disease (PMID: 24922459, 25758994) compared to the general population (ExAC). Advanced modeling of protein sequence and biophysical properties (such as structural, functional, and spatial information, amino acid conservation, physicochemical variation, residue mobility, and thermodynamic stability) performed at Invitae indicates that this missense variant is expected to disrupt COL3A1 protein function. This sequence change replaces glycine, which is neutral and non-polar, with arginine, which is basic and polar, at codon 1098 of the COL3A1 protein (p.Gly1098Arg). This variant is not present in population databases (gnomAD no frequency). This variant has not been reported in the literature in individuals affected with COL3A1-related conditions.

Literature cited by the submitters: PubMed 7695699; PubMed 8218237; PubMed 19344236; PubMed 24922459; PubMed 25758994.

NM_000090.4(COL3A1):c.3292G>C (p.Gly1098Arg)

Gene: COL3A1 (collagen type III alpha 1 chain; plus strand). Cytogenetic location: 2q32.2.
Variant type: single nucleotide variant.
Coding change: c.3292G>C on transcript NM_000090.4 (MANE Select); coding-DNA position 3292, G replaced by C.
Protein change: p.Gly1098Arg; replaces glycine 1098 with arginine.
Molecular consequence: missense variant.
Genome position (GRCh38, 1-based): chr2:189,007,536, G>C. VCF-style: chr2-189007536-G-C. GRCh37 (hg19) VCF-style: chr2-189872262-G-C.
Other names: short protein forms G1098R.
Identifiers: ClinVar variation 1466399 (VCV001466399.6), dbSNP rs2153503896, ClinGen allele CA349845685.